The following is an entry in ClinVar:

NM_000051.4(ATM):c.4813G>A (p.Ala1605Thr)

Gene: ATM (ATM serine/threonine kinase; plus strand). Cytogenetic location: 11q22.3.
Variant type: single nucleotide variant.
Coding change: c.4813G>A on transcript NM_000051.4 (MANE Select); coding-DNA position 4813, G replaced by A.
Protein change: p.Ala1605Thr; replaces alanine 1605 with threonine.
Molecular consequence: missense variant.
Genome position (GRCh38, 1-based): chr11:108,294,963, G>A. VCF-style: chr11-108294963-G-A. GRCh37 (hg19) VCF-style: chr11-108165690-G-A.
Other names: c.4813G>A, p.Ala1605Thr (NM_001351834.2); short protein forms A1605T.
Identifiers: ClinVar variation 524257 (VCV000524257.10), dbSNP rs1555101706, ClinGen allele CA382536622.

ClinVar aggregate classification (germline): Conflicting classifications of pathogenicity. Review status: criteria provided, conflicting classifications (1 of 4 stars). 2 submissions from 2 submitters: Uncertain significance (1); Likely benign (1). Last evaluated 2025-04-11.

Conditions:
Hereditary cancer-predisposing syndrome. Also called: Neoplastic Syndromes, Hereditary; Tumor predisposition; Hereditary Cancer Syndrome; Hereditary neoplastic syndrome. Identifiers: Orphanet 140162, MedGen C0027672, MeSH D009386, MONDO:0015356.
Ataxia-telangiectasia syndrome (AT). Also called: ATAXIA-TELANGIECTASIA, COMPLEMENTATION GROUP A; ATAXIA-TELANGIECTASIA, FRESNO VARIANT; Ataxia-telangiectasia; Ataxia-telangiectasia, complementation group D; AT, COMPLEMENTATION GROUP C; Ataxia-telangiectasia, complementation group E. Identifiers: Orphanet 100, MedGen C0004135, MONDO:0008840, OMIM 208900.

Submissions (2):

Ambry Genetics
Classification: Likely benign for Hereditary cancer-predisposing syndrome. Last evaluated: 2025-04-11. Review status: criteria provided, single submitter. Criteria: Ambry Variant Classification Scheme 2023. Collection method: clinical testing. Allele origin: germline.

Labcorp Genetics (formerly Invitae), Labcorp
Classification: Uncertain significance for Ataxia-telangiectasia syndrome. Last evaluated: 2022-10-20. Review status: criteria provided, single submitter. Criteria: Invitae Variant Classification Sherloc (09022015). Collection method: clinical testing. Allele origin: germline.
Comment: Algorithms developed to predict the effect of missense changes on protein structure and function (SIFT, PolyPhen-2, Align-GVGD) all suggest that this variant is likely to be tolerated. ClinVar contains an entry for this variant (Variation ID: 524257). This variant has not been reported in the literature in individuals affected with ATM-related conditions. This variant is not present in population databases (gnomAD no frequency). This sequence change replaces alanine, which is neutral and non-polar, with threonine, which is neutral and polar, at codon 1605 of the ATM protein (p.Ala1605Thr). In summary, the available evidence is currently insufficient to determine the role of this variant in disease. Therefore, it has been classified as a Variant of Uncertain Significance.